The following is an entry in ClinVar:

NM_005094.4(SLC27A4):c.739T>C (p.Ser247Pro)

Gene: SLC27A4 (solute carrier family 27 member 4; plus strand). Cytogenetic location: 9q34.11.
Variant type: single nucleotide variant.
Coding change: c.739T>C on transcript NM_005094.4 (MANE Select); coding-DNA position 739, T replaced by C.
Protein change: p.Ser247Pro; replaces serine 247 with proline.
Molecular consequence: missense variant.
Genome position (GRCh38, 1-based): chr9:128,350,335, T>C. VCF-style: chr9-128350335-T-C. GRCh37 (hg19) VCF-style: chr9-131112614-T-C.
Other names: short protein forms S247P.
Identifiers: ClinVar variation 5745 (VCV000005745.4), dbSNP rs137853133, ClinGen allele CA117715.

ClinVar aggregate classification (germline): Uncertain significance. Review status: criteria provided, single submitter (1 of 4 stars). 2 submissions from 2 submitters: Uncertain significance (1). 1 of the submissions does not count toward it. Last evaluated 2025-04-30.

Conditions:
Ichthyosis prematurity syndrome (IPS). Also called: ICHTHYOSIS CONGENITA IV. Identifiers: Orphanet 88621, MedGen C1837610, MONDO:0012089, OMIM 608649.

Allele frequency attached by ClinVar (database versions not stated): TOPMed below 0.00001; gnomAD 0.00001.
gnomAD v4.1: 1 of 1,613,054 alleles (0.000062%); highest among the groups gnomAD compares: Non-Finnish European, 0.000085%; no homozygotes.

Submissions (2):

Women's Health and Genetics/Laboratory Corporation of America, LabCorp
Classification: Uncertain significance. Last evaluated: 2025-04-30. Review status: criteria provided, single submitter. Criteria: LabCorp Variant Classification Summary - May 2015. Collection method: clinical testing. Allele origin: germline.
Comment: Variant summary: SLC27A4 c.739T>C (p.Ser247Pro) results in a non-conservative amino acid change in the encoded protein sequence. Five of five in-silico tools predict a damaging effect of the variant on protein function. The variant was absent in 249828 control chromosomes. The available data on variant occurrences in the general population are insufficient to allow any conclusion about variant significance. c.739T>C has been observed in the compound heterozygous state together with a pathogenic variant in an individual affected with ichthyosis prematurity syndrome (Klar_2009). These data do not allow any conclusion about variant significance. At least one publication reports experimental evidence evaluating an impact on protein function on RPE65 expression and synthesis of 11-cis-retinol and all-trans-retinyl esters in vitro (Li_2020). However, the variant had no significant effect on RPE65 expression or all-trans-retinyl esters versus the wildtype protein and only a slight reduction in 11-cis-retinol. As the clinical significance of these findings are unclear, these results do not allow convincing conclusions about the variant effect. The following publications have been ascertained in the context of this evaluation (PMID: 19631310, 31595490). ClinVar contains an entry for this variant (Variation ID: 5745). Based on the evidence outlined above, the variant was classified as uncertain significance.

OMIM
Classification: Pathogenic for ICHTHYOSIS PREMATURITY SYNDROME. Last evaluated: 2009-08-01. Review status: no assertion criteria provided. Collection method: literature only. Allele origin: germline. Not counted in ClinVar's aggregate classification.

Literature cited by the submitters: PubMed 19631310 (cited by Women's Health and Genetics/Laboratory Corporation of America, LabCorp and OMIM); PubMed 31595490 (cited by Women's Health and Genetics/Laboratory Corporation of America, LabCorp).